The following is an entry in ClinVar:

NM_144670.6(A2ML1):c.3264+5G>A

Gene: A2ML1 (alpha-2-macroglobulin like 1; plus strand). Cytogenetic location: 12p13.31.
Variant type: single nucleotide variant.
Coding change: c.3264+5G>A on transcript NM_144670.6 (MANE Select); 5 bases into the intron after coding-DNA position 3264, G replaced by A.
Molecular consequence: intron variant.
Genome position (GRCh38, 1-based): chr12:8,858,107, G>A. VCF-style: chr12-8858107-G-A. GRCh37 (hg19) VCF-style: chr12-9010703-G-A.
Other names: c.1791+5G>A (NM_001282424.3); c.3264+5G>A (NM_144670.5).
Identifiers: ClinVar variation 1041308 (VCV001041308.9), dbSNP rs200006435, ClinGen allele CA6436301.

ClinVar aggregate classification (germline): Conflicting classifications of pathogenicity. Review status: criteria provided, conflicting classifications (1 of 4 stars). 2 submissions from 2 submitters: Uncertain significance (1); Benign (1). Last evaluated 2023-11-22.

Allele frequency attached by ClinVar (database versions not stated): gnomAD 0.00001; TOPMed 0.00001; gnomAD exomes 0.00003 and 0.00006; ExAC 0.00008; ESP Exome Variant Server 0.00008.
gnomAD v4.1: 39 of 1,613,614 alleles (0.0024%); highest among the groups gnomAD compares: East Asian, 0.049%; no homozygotes.

Submissions (2):

Labcorp Genetics (formerly Invitae), Labcorp
Classification: Uncertain significance. Last evaluated: 2023-11-22. Review status: criteria provided, single submitter. Criteria: Invitae Variant Classification Sherloc (09022015). Collection method: clinical testing. Allele origin: germline.
Comment: This sequence change falls in intron 26 of the A2ML1 gene. It does not directly change the encoded amino acid sequence of the A2ML1 protein. It affects a nucleotide within the consensus splice site. This variant is present in population databases (rs200006435, gnomAD 0.05%). This variant has not been reported in the literature in individuals affected with A2ML1-related conditions. ClinVar contains an entry for this variant (Variation ID: 1041308). Variants that disrupt the consensus splice site are a relatively common cause of aberrant splicing (PMID: 17576681, 9536098). Algorithms developed to predict the effect of sequence changes on RNA splicing suggest that this variant may disrupt the consensus splice site. In summary, the available evidence is currently insufficient to determine the role of this variant in disease. Therefore, it has been classified as a Variant of Uncertain Significance.

Women's Health and Genetics/Laboratory Corporation of America, LabCorp
Classification: Benign. Last evaluated: 2023-05-01. Review status: criteria provided, single submitter. Criteria: LabCorp Variant Classification Summary - May 2015. Collection method: clinical testing. Allele origin: germline.

Literature cited by the submitters: PubMed 17576681 (cited by Labcorp Genetics (formerly Invitae), Labcorp); PubMed 9536098 (cited by Labcorp Genetics (formerly Invitae), Labcorp).